The following is an entry in ClinVar:

NM_199420.4(POLQ):c.5198G>T (p.Gly1733Val)

Gene: POLQ (DNA polymerase theta; minus strand). Cytogenetic location: 3q13.33.
Variant type: single nucleotide variant.
Coding change: c.5198G>T on transcript NM_199420.4 (MANE Select); coding-DNA position 5198, G replaced by T.
Protein change: p.Gly1733Val; replaces glycine 1733 with valine.
Molecular consequence: missense variant.
Genome position (GRCh38, 1-based): chr3:121,487,733, C>A on the plus strand (G>T on the coding strand, the complement: POLQ is on the minus strand). VCF-style: chr3-121487733-C-A. GRCh37 (hg19) VCF-style: chr3-121206580-C-A.
Other names: short protein forms G1733V.
Identifiers: ClinVar variation 1745953 (VCV001745953.3), dbSNP rs549635721, ClinGen allele CA2562768.

ClinVar aggregate classification (germline): Uncertain significance (1 of 4 stars; one submission).

Allele frequency attached by ClinVar (database versions not stated): gnomAD exomes below 0.00001; ExAC 0.00001; TOPMed 0.00003; gnomAD 0.00005; 1000 Genomes Project 30x 0.00016; 1000 Genomes Project 0.00020.
gnomAD v4.1: 11 of 1,613,526 alleles (0.00068%); highest among the groups gnomAD compares: African/African-American, 0.015%; no homozygotes.

Submission:

Ambry Genetics
Classification: Uncertain significance. Last evaluated: 2023-07-30. Review status: criteria provided, single submitter. Criteria: Ambry Variant Classification Scheme 2023. Collection method: clinical testing. Allele origin: germline.
Comment: The p.G1733V variant (also known as c.5198G>T), located in coding exon 16 of the POLQ gene, results from a G to T substitution at nucleotide position 5198. The glycine at codon 1733 is replaced by valine, an amino acid with dissimilar properties. This amino acid position is conserved. In addition, this alteration is predicted to be tolerated by in silico analysis. Since supporting evidence is limited at this time, the clinical significance of this alteration remains unclear.